The following is an entry in ClinVar:

NM_004100.5(EYA4):c.991_992del (p.Pro332fs)

Gene: EYA4 (EYA transcriptional coactivator and phosphatase 4; plus strand). Cytogenetic location: 6q23.2.
Variant type: Microsatellite.
Coding change: c.991_992del on transcript NM_004100.5 (MANE Select); coding-DNA positions 991 to 992, 2 bases deleted (AG; older notation c.991_992delAG).
Protein change: p.Pro332fs; shifts the reading frame from proline 332.
Molecular consequence: frameshift variant.
Genome position (GRCh38, 1-based): chr6:133,481,483-133,481,484, AG deleted; deleting any 2 consecutive bases within chr6:133,481,481-133,481,484 gives the same sequence; the c. name uses the placement nearest the transcript's 3' end. VCF-style (leftmost placement, unchanged base first): chr6-133481480-CAG-C. GRCh37 (hg19) VCF-style: chr6-133802618-CAG-C.
Other names: c.829_830del, p.Pro278fs (NM_001301012.2); c.1009_1010del, p.Pro338fs (NM_001301013.2); c.922_923del, p.Pro309fs (NM_001370458.1, NM_172103.4); c.847_848del, p.Pro284fs (NM_001370459.1); c.991_992del, p.Pro332fs (NM_172105.4); short protein forms P309fs, P284fs, P332fs, P338fs, P278fs.
Identifiers: ClinVar variation 817674 (VCV000817674.1), dbSNP rs1583410898, ClinGen allele CA915944379.

ClinVar aggregate classification (germline): Pathogenic (1 of 4 stars; one submission).

Submission:

GeneDx
Classification: Pathogenic. Last evaluated: 2018-06-14. Review status: criteria provided, single submitter. Criteria: GeneDx Variant Classification (06012015). Collection method: clinical testing. Allele origin: germline. Affected: yes.
Comment: The c.991_992delAG pathogenic variant in the EYA4 gene causes a frameshift starting with codon Proline 332, changes this amino acid to a Leucine residue and creates a premature Stop codon at position 8 of the new reading frame, denoted p.Pro332LeufsX8. This pathogenic variant is predicted to cause loss of normal protein function either through protein truncation or nonsense-mediated mRNA decay. The c.991_992delAG variant is not observed in large population cohorts (Lek et al., 2016). We classify this variant as pathogenic.